The following is an entry in ClinVar:

NM_025137.4(SPG11):c.5306T>C (p.Met1769Thr)

Gene: SPG11 (SPG11 vesicle trafficking associated, spatacsin; minus strand). Cytogenetic location: 15q21.1.
Variant type: single nucleotide variant.
Coding change: c.5306T>C on transcript NM_025137.4 (MANE Select); coding-DNA position 5306, T replaced by C.
Protein change: p.Met1769Thr; replaces methionine 1769 with threonine.
Molecular consequence: missense variant.
Genome position (GRCh38, 1-based): chr15:44,584,374, A>G on the plus strand (T>C on the coding strand, the complement: SPG11 is on the minus strand). VCF-style: chr15-44584374-A-G. GRCh37 (hg19) VCF-style: chr15-44876572-A-G.
Other names: c.5306T>C, p.Met1769Thr (NM_001160227.2); short protein forms M1769T.
Identifiers: ClinVar variation 1045440 (VCV001045440.7), dbSNP rs748258958, ClinGen allele CA7534433.
Genomic context (GRCh38, chr15:44,584,374, plus strand): 5'-ACCACGTCCTCCTGGGCAAGCCAGTGCCCTGCCAAGGTGAGCAGCAGATGGCGCTCCTCC[A>G]TGCTGCTCCATCCAGTTGGGTGCTCACATGCCACATGGGCCTGGGTTGAGAAAAAGGAAG-3'
Protein context (NP_079413.3, residues 1759-1779): ACEHPTGWSS[Met1769Thr]EERHLLLTLA

ClinVar aggregate classification (germline): Uncertain significance. Review status: criteria provided, multiple submitters, no conflicts (2 of 4 stars). 2 submissions from 2 submitters: Uncertain significance (2). Last evaluated 2024-06-24.

Conditions:
Hereditary spastic paraplegia 11. Also called: Spastic paraplegia, mental retardation and thin corpus callosum; SPASTIC PARAPLEGIA, AUTOSOMAL RECESSIVE, COMPLICATED, WITH THIN CORPUS CALLOSUM; SPASTIC PARAPLEGIA, AUTOSOMAL RECESSIVE, WITH MENTAL IMPAIRMENT AND THIN CORPUS CALLOSUM; Spastic Paraplegia 11; Nakamura Osame syndrome; Autosomal recessive hereditary spastic paraplegia, mental impairment, and thin corpus callosum. Identifiers: Orphanet 2822, MedGen C1858479, MONDO:0011445, OMIM 604360.
Charcot-Marie-Tooth disease axonal type 2X. Also called: CHARCOT-MARIE-TOOTH DISEASE, AXONAL, AUTOSOMAL RECESSIVE, TYPE 2X; CHARCOT-MARIE-TOOTH NEUROPATHY, TYPE 2X. Identifiers: Orphanet 466775, MedGen C5569024, MONDO:0014726, OMIM 616668.
Amyotrophic lateral sclerosis type 5 (ALS5). Also called: AMYOTROPHIC LATERAL SCLEROSIS 5, JUVENILE. Identifiers: Orphanet 300605, MedGen C1865864, MONDO:0011196, OMIM 602099.

Allele frequency attached by ClinVar (database versions not stated): gnomAD 0.00001; gnomAD exomes 0.00001 and 0.00002; TOPMed 0.00001; ExAC 0.00002.

Submissions (2):

Fulgent Genetics
Classification: Uncertain significance for Amyotrophic lateral sclerosis type 5; Hereditary spastic paraplegia 11; Charcot-Marie-Tooth disease axonal type 2X. Last evaluated: 2024-06-24. Review status: criteria provided, single submitter. Criteria: ACMG Guidelines, 2015. Collection method: clinical testing. Allele origin: germline.

Labcorp Genetics (formerly Invitae), Labcorp
Classification: Uncertain significance for Hereditary spastic paraplegia 11. Last evaluated: 2022-01-14. Review status: criteria provided, single submitter. Criteria: Invitae Variant Classification Sherloc (09022015). Collection method: clinical testing. Allele origin: germline.
Comment: This sequence change replaces methionine, which is neutral and non-polar, with threonine, which is neutral and polar, at codon 1769 of the SPG11 protein (p.Met1769Thr). This variant is present in population databases (rs748258958, gnomAD 0.003%). This variant has not been reported in the literature in individuals affected with SPG11-related conditions. ClinVar contains an entry for this variant (Variation ID: 1045440). Algorithms developed to predict the effect of missense changes on protein structure and function output the following: SIFT: "Tolerated"; PolyPhen-2: "Benign"; Align-GVGD: "Class C0". The threonine amino acid residue is found in multiple mammalian species, which suggests that this missense change does not adversely affect protein function. In summary, the available evidence is currently insufficient to determine the role of this variant in disease. Therefore, it has been classified as a Variant of Uncertain Significance.